The following is an entry in ClinVar:

ClinVar aggregate classification (germline): Likely benign. Review status: criteria provided, multiple submitters, no conflicts (2 of 4 stars). 3 submissions from 3 submitters: Likely benign (3). Last evaluated 2024-06-01.

Conditions:
Myofibrillar myopathy 5. Also called: Filaminopathy (type); FILAMINOPATHY, AUTOSOMAL DOMINANT. Identifiers: Orphanet 171445, MedGen C1836050, MONDO:0012289, OMIM 609524.
Distal myopathy with posterior leg and anterior hand involvement. Also called: WILLIAMS DISTAL MYOPATHY. Identifiers: Orphanet 63273, MedGen C3279722, MONDO:0013550, OMIM 614065.
Hypertrophic cardiomyopathy 26. Also called: Cardiomyopathy, familial hypertrophic, 26. Identifiers: Orphanet 75249, MedGen C4310749, MONDO:0014883, OMIM 617047.

Allele frequency attached by ClinVar (database versions not stated): gnomAD exomes 0.00001; TOPMed 0.00001; ExAC 0.00002.
gnomAD v4.1: 8 of 1,612,662 alleles (0.0005%); highest among the groups gnomAD compares: Non-Finnish European, 0.00059%; no homozygotes.

Submissions (3):

CeGaT Center for Human Genetics Tuebingen
Classification: Likely benign. Last evaluated: 2024-06-01. Review status: criteria provided, single submitter. Criteria: CeGaT Center For Human Genetics Tuebingen Variant Classification Criteria Version 2. Collection method: clinical testing. Allele origin: germline. Affected: yes. Observed: 1 variant allele.
Comment: FLNC: BP4, BP7

Labcorp Genetics (formerly Invitae), Labcorp
Classification: Likely benign for Distal myopathy with posterior leg and anterior hand involvement; Myofibrillar myopathy 5; Hypertrophic cardiomyopathy 26. Last evaluated: 2023-08-11. Review status: criteria provided, single submitter. Criteria: Invitae Variant Classification Sherloc (09022015). Collection method: clinical testing. Allele origin: germline.

Blueprint Genetics
Classification: Likely benign. Last evaluated: 2023-03-20. Review status: criteria provided, single submitter. Criteria: ACMG Guidelines, 2015. Collection method: clinical testing. Allele origin: germline.

NM_001458.5(FLNC):c.864G>A (p.Gln288=)

Gene: FLNC (filamin C; plus strand). Cytogenetic location: 7q32.1.
Variant type: single nucleotide variant.
Coding change: c.864G>A on transcript NM_001458.5 (MANE Select); coding-DNA position 864, G replaced by A.
Protein change: p.Gln288=; no amino-acid change (glutamine 288 retained).
Molecular consequence: synonymous variant.
Genome position (GRCh38, 1-based): chr7:128,837,650, G>A. VCF-style: chr7-128837650-G-A. GRCh37 (hg19) VCF-style: chr7-128477704-G-A.
Other names: c.864G>A, p.Gln288= (NM_001127487.2).
Identifiers: ClinVar variation 2927944 (VCV002927944.22), dbSNP rs201906839, ClinGen allele CA4474156.
Genomic context (GRCh38, chr7:128,837,650, plus strand): 5'-CATGTAGGCTCTCCCTGAGTAACCTGGGCTCTGCTCCTGCCCCGTAGGCATCGAGCCACA[G>A]GGCAACACCGTGCTGCAGCCTGCCCACTTCACCGTGCAGACGGTGGACGCGGGCGTGGGC-3'
Protein context (NP_001449.3, residues 278-298): AIAYGPGIEP[Gln288=]GNTVLQPAHF